The following is an entry in ClinVar:

NM_004360.5(CDH1):c.1468G>A (p.Glu490Lys)

Gene: CDH1 (cadherin 1; plus strand). Cytogenetic location: 16q22.1.
Variant type: single nucleotide variant.
Coding change: c.1468G>A on transcript NM_004360.5 (MANE Select); coding-DNA position 1468, G replaced by A.
Protein change: p.Glu490Lys; replaces glutamic acid 490 with lysine.
Molecular consequence: missense variant. On other transcripts: 5 prime UTR variant (2).
Genome position (GRCh38, 1-based): chr16:68,815,662, G>A. VCF-style: chr16-68815662-G-A. GRCh37 (hg19) VCF-style: chr16-68849565-G-A.
Other names: c.1285G>A, p.Glu429Lys (NM_001317184.2); c.-81G>A (NM_001317185.2); c.-352G>A (NM_001317186.2); short protein forms E490K, E429K.
Identifiers: ClinVar variation 463719 (VCV000463719.15), dbSNP rs1555516147, ClinGen allele CA396463123.
Genomic context (GRCh38, chr16:68,815,662, plus strand): 5'-ACAGCCACCGTCACCGTGGATGTGCTGGATGTGAATGAAGCCCCCATCTTTGTGCCTCCT[G>A]AAAAGAGAGTGGAAGTGTCCGAGGACTTTGGCGTGGGCCAGGAAATCACATCCTACACTG-3'
Protein context (NP_004351.1, residues 480-500): VNEAPIFVPP[Glu490Lys]KRVEVSEDFG

ClinVar aggregate classification (germline): Conflicting classifications of pathogenicity. Review status: criteria provided, conflicting classifications (1 of 4 stars). 3 submissions from 3 submitters: Uncertain significance (2); Likely benign (1). Last evaluated 2025-05-21.

Conditions:
Hereditary cancer-predisposing syndrome. Also called: Hereditary neoplastic syndrome; Neoplastic Syndromes, Hereditary; Tumor predisposition; Hereditary Cancer Syndrome. Identifiers: Orphanet 140162, MedGen C0027672, MeSH D009386, MONDO:0015356.
Hereditary diffuse gastric adenocarcinoma (HDGC). Also called: DIFFUSE GASTRIC AND LOBULAR BREAST CANCER SYNDROME. Identifiers: Orphanet 26106, MedGen C1708349, MONDO:0007648, OMIM 137215.

Submissions (3):

Ambry Genetics
Classification: Likely benign for Hereditary cancer-predisposing syndrome. Last evaluated: 2025-05-21. Review status: criteria provided, single submitter. Criteria: Ambry Variant Classification Scheme 2023. Collection method: clinical testing. Allele origin: germline.

Labcorp Genetics (formerly Invitae), Labcorp
Classification: Uncertain significance for Hereditary diffuse gastric adenocarcinoma. Last evaluated: 2020-07-14. Review status: criteria provided, single submitter. Criteria: Invitae Variant Classification Sherloc (09022015). Collection method: clinical testing. Allele origin: germline.
Comment: In summary, this variant is a novel missense change that is not predicted to affect protein function. There is no indication that it causes disease, but the available evidence is currently insufficient to prove that conclusively. Therefore, it has been classified as a Variant of Uncertain Significance. Algorithms developed to predict the effect of missense changes on protein structure and function (SIFT, PolyPhen-2, Align-GVGD) all suggest that this variant is likely to be tolerated, but these predictions have not been confirmed by published functional studies. This variant is not present in population databases (ExAC no frequency) and has not been reported in the literature in individuals with a CDH1-related disease. This sequence change replaces glutamic acid with lysine at codon 490 of the CDH1 protein (p.Glu490Lys). The glutamic acid residue is moderately conserved and there is a small physicochemical difference between glutamic acid and lysine.

Mendelics
Classification: Uncertain significance for Hereditary diffuse gastric cancer. Last evaluated: 2018-07-02. Review status: criteria provided, single submitter. Criteria: Mendelics Assertion Criteria 2017. Collection method: clinical testing. Allele origin: unknown.

Literature cited by the submitters: PubMed 29522266 (cited by Ambry Genetics).